The following is an entry in ClinVar:

NM_004268.5(MED17):c.679A>C (p.Asn227His)

Gene: MED17 (mediator complex subunit 17; plus strand). Cytogenetic location: 11q21.
Variant type: single nucleotide variant.
Coding change: c.679A>C on transcript NM_004268.5 (MANE Select); coding-DNA position 679, A replaced by C.
Protein change: p.Asn227His; replaces asparagine 227 with histidine.
Molecular consequence: missense variant.
Genome position (GRCh38, 1-based): chr11:93,793,769, A>C. VCF-style: chr11-93793769-A-C. GRCh37 (hg19) VCF-style: chr11-93526935-A-C.
Other names: short protein forms N227H.
Identifiers: ClinVar variation 1999513 (VCV001999513.1), dbSNP rs534823110, ClinGen allele CA382355822.

ClinVar aggregate classification (germline): Uncertain significance (1 of 4 stars; one submission).

gnomAD v4.1: 2 of 1,590,420 alleles (0.00013%); highest among the groups gnomAD compares: Admixed American, 0.0033%; no homozygotes.

Submission:

Labcorp Genetics (formerly Invitae), Labcorp
Classification: Uncertain significance. Last evaluated: 2022-07-05. Review status: criteria provided, single submitter. Criteria: Invitae Variant Classification Sherloc (09022015). Collection method: clinical testing. Allele origin: germline.
Comment: This sequence change replaces asparagine, which is neutral and polar, with histidine, which is basic and polar, at codon 227 of the MED17 protein (p.Asn227His). This variant is present in population databases (no rsID available, gnomAD 0.003%). This variant has not been reported in the literature in individuals affected with MED17-related conditions. Algorithms developed to predict the effect of missense changes on protein structure and function are either unavailable or do not agree on the potential impact of this missense change (SIFT: "Tolerated"; PolyPhen-2: "Probably Damaging"; Align-GVGD: "Class C0"). In summary, the available evidence is currently insufficient to determine the role of this variant in disease. Therefore, it has been classified as a Variant of Uncertain Significance.